The following is an entry in ClinVar:

ClinVar aggregate classification (germline): Uncertain significance (1 of 4 stars; one submission).

gnomAD v4.1: 26 of 1,607,900 alleles (0.0016%); highest among the groups gnomAD compares: South Asian, 0.021%; no homozygotes.

Submission:

Labcorp Genetics (formerly Invitae), Labcorp
Classification: Uncertain significance. Last evaluated: 2022-07-03. Review status: criteria provided, single submitter. Criteria: Invitae Variant Classification Sherloc (09022015). Collection method: clinical testing. Allele origin: germline.
Comment: The frequency data for this variant in the population databases is considered unreliable, as metrics indicate poor data quality at this position in the gnomAD database. In summary, the available evidence is currently insufficient to determine the role of this variant in disease. Therefore, it has been classified as a Variant of Uncertain Significance. Algorithms developed to predict the effect of missense changes on protein structure and function (SIFT, PolyPhen-2, Align-GVGD) all suggest that this variant is likely to be disruptive. ClinVar contains an entry for this variant (Variation ID: 1504887). This variant has not been reported in the literature in individuals affected with KCNV2-related conditions. This sequence change replaces glycine, which is neutral and non-polar, with cysteine, which is neutral and slightly polar, at codon 240 of the KCNV2 protein (p.Gly240Cys).

NM_133497.4(KCNV2):c.718G>T (p.Gly240Cys)

Gene: KCNV2 (potassium voltage-gated channel modifier subfamily V member 2; plus strand). Cytogenetic location: 9p24.2.
Variant type: single nucleotide variant.
Coding change: c.718G>T on transcript NM_133497.4 (MANE Select); coding-DNA position 718, G replaced by T.
Protein change: p.Gly240Cys; replaces glycine 240 with cysteine.
Molecular consequence: missense variant.
Genome position (GRCh38, 1-based): chr9:2,718,457, G>T. VCF-style: chr9-2718457-G-T. GRCh37 (hg19) VCF-style: chr9-2718457-G-T.
Other names: short protein forms G240C.
Identifiers: ClinVar variation 1504887 (VCV001504887.6), dbSNP rs760387745, ClinGen allele CA4965592.